The following is an entry in ClinVar:

NM_020376.4(PNPLA2):c.613dup (p.Leu205fs)

Gene: PNPLA2 (patatin like domain 2, triacylglycerol lipase; plus strand). Cytogenetic location: 11p15.5.
Variant type: Duplication.
Coding change: c.613dup on transcript NM_020376.4 (MANE Select); coding-DNA position 613, one base duplicated (C; older notation c.613dupC).
Protein change: p.Leu205fs; shifts the reading frame from leucine 205.
Molecular consequence: frameshift variant.
Genome position (GRCh38, 1-based): chr11:822,523, C duplicated. VCF-style (leftmost placement, unchanged base first): chr11-822522-G-GC. GRCh37 (hg19) VCF-style: chr11-822522-G-GC.
Other names: c.613dup (NM_020376.3); short protein forms L205fs.
Identifiers: ClinVar variation 65419 (VCV000065419.51), dbSNP rs796065308, ClinGen allele CA144790.

ClinVar aggregate classification (germline): Pathogenic. Review status: criteria provided, multiple submitters, no conflicts (2 of 4 stars). 8 submissions from 8 submitters: Pathogenic (6). 2 of the submissions do not count toward it. Last evaluated 2024-08-17.

Conditions:
Inborn genetic diseases. Identifiers: MedGen C0950123, MeSH D030342.
Neutral lipid storage myopathy (NLSDM). Also called: NEUTRAL LIPID STORAGE DISEASE WITHOUT ICHTHYOSIS. Identifiers: Orphanet 98908, MedGen C1853136, MONDO:0012545, OMIM 610717.

Allele frequency attached by ClinVar (database versions not stated): gnomAD 0.00001; gnomAD exomes 0.00001 and below 0.00001; TOPMed 0.00002; ESP Exome Variant Server 0.00008; ExAC 0.00001.

Submissions (8):

GeneDx
Classification: Pathogenic. Last evaluated: 2024-08-17. Review status: criteria provided, single submitter. Criteria: GeneDx Variant Classification Process June 2021. Collection method: clinical testing. Allele origin: germline. Affected: yes.
Comment: Observed in apparent homozygous state in patients with features of PNPLA2-related neutral lipid storage disease with myopathy in the literature and not observed in homozygous state in controls (PMID: 21544567, 38194732); Frameshift variant predicted to result in protein truncation or nonsense mediated decay in a gene for which loss of function is a known mechanism of disease; Not observed at significant frequency in large population cohorts (gnomAD); This variant is associated with the following publications: (PMID: 38194732, 21544567)

Women's Health and Genetics/Laboratory Corporation of America, LabCorp
Classification: Pathogenic for Neutral lipid storage myopathy. Last evaluated: 2023-09-11. Review status: criteria provided, single submitter. Criteria: LabCorp Variant Classification Summary - May 2015. Collection method: clinical testing. Allele origin: germline.
Comment: Variant summary: PNPLA2 c.613dupC (p.Leu205ProfsX102) results in a premature termination codon, predicted to cause a truncation of the encoded protein or absence of the protein due to nonsense mediated decay, which are commonly known mechanisms for disease. The variant allele was found at a frequency of 4e-06 in 251436 control chromosomes. c.613dupC has been reported in the literature in individuals affected with Lipid Storage Disease(Reilich_2011). These data indicate that the variant is likely to be associated with disease. To our knowledge, no experimental evidence demonstrating an impact on protein function has been reported. The following publication have been ascertained in the context of this evaluation (PMID: 21544567). Two submitters have cited clinical-significance assessments for this variant to ClinVar after 2014. All submitters classified the variant as pathogenic. Based on the evidence outlined above, the variant was classified as pathogenic.

Labcorp Genetics (formerly Invitae), Labcorp
Classification: Pathogenic for Neutral lipid storage myopathy. Last evaluated: 2023-08-25. Review status: criteria provided, single submitter. Criteria: Invitae Variant Classification Sherloc (09022015). Collection method: clinical testing. Allele origin: germline.
Comment: For these reasons, this variant has been classified as Pathogenic. ClinVar contains an entry for this variant (Variation ID: 65419). This premature translational stop signal has been observed in individual(s) with neutral lipid storage myopathy (PMID: 21544567). This variant is present in population databases (rs760274244, gnomAD 0.0009%). This sequence change creates a premature translational stop signal (p.Leu205Profs*102) in the PNPLA2 gene. It is expected to result in an absent or disrupted protein product. Loss-of-function variants in PNPLA2 are known to be pathogenic (PMID: 17187067).

Kariminejad - Najmabadi Pathology & Genetics Center
Classification: Pathogenic for Neutral lipid storage myopathy. Last evaluated: 2021-02-27. Review status: criteria provided, single submitter. Criteria: ACMG Guidelines, 2015. Collection method: clinical testing. Allele origin: germline. Inheritance: Autosomal recessive inheritance. Affected: yes. Observed: 2 variant alleles.
Comment: [PVS1 PM2 PP5]

CeGaT Center for Human Genetics Tuebingen
Classification: Pathogenic. Last evaluated: 2018-10-01. Review status: criteria provided, single submitter. Criteria: CeGaT Center For Human Genetics Tuebingen Variant Classification Criteria Version 2. Collection method: clinical testing. Allele origin: germline. Affected: yes. Observed: 2 variant alleles.

Ambry Genetics
Classification: Pathogenic for Inborn genetic diseases. Last evaluated: 2015-06-04. Review status: criteria provided, single submitter. Criteria: Ambry exome assertion method (8-5-2015). Collection method: clinical testing. Allele origin: germline. Affected: yes. Observed: 1 variant allele.

OMIM
Classification: Pathogenic for NEUTRAL LIPID STORAGE DISEASE WITH MYOPATHY. Last evaluated: 2011-11-01. Review status: no assertion criteria provided. Collection method: literature only. Allele origin: germline. Not counted in ClinVar's aggregate classification.

Neuromuscular Department, Shariati Hospital, Tehran University of Medical Sciences
Classification: Pathogenic for Neutral lipid storage myopathy. Review status: no assertion criteria provided. Collection method: clinical testing. Allele origin: inherited. Inheritance: Autosomal recessive inheritance. Affected: yes. Observed: 1 variant allele, 1 homozygote. Not counted in ClinVar's aggregate classification.

Literature cited by the submitters: PubMed 21544567 (cited by 3 submitters); PubMed 17187067 (cited by Labcorp Genetics (formerly Invitae), Labcorp).